The following is an entry in ClinVar:

ClinVar aggregate classification (germline): Uncertain significance. Review status: criteria provided, multiple submitters, no conflicts (2 of 4 stars). 4 submissions from 4 submitters: Uncertain significance (3). 1 of the submissions does not count toward it. Last evaluated 2024-11-25.

Conditions:
Inborn genetic diseases. Identifiers: MedGen C0950123, MeSH D030342.
Nemaline myopathy 2 (NEM2). Also called: Nemaline myopathy 2, autosomal recessive. Identifiers: MedGen C1850569, MONDO:0009725, OMIM 256030.

Allele frequency attached by ClinVar (database versions not stated): gnomAD exomes 0.00001 and 0.00002; ExAC 0.00002; gnomAD 0.00003; TOPMed 0.00003.
gnomAD v4.1: 24 of 1,607,492 alleles (0.0015%); highest among the groups gnomAD compares: Admixed American, 0.01%; no homozygotes.

Submissions (4):

Ambry Genetics
Classification: Uncertain significance for Inborn genetic diseases. Last evaluated: 2024-11-25. Review status: criteria provided, single submitter. Criteria: Ambry Variant Classification Scheme 2023. Collection method: clinical testing. Allele origin: germline.

Labcorp Genetics (formerly Invitae), Labcorp
Classification: Uncertain significance for Nemaline myopathy 2. Last evaluated: 2022-03-23. Review status: criteria provided, single submitter. Criteria: Invitae Variant Classification Sherloc (09022015). Collection method: clinical testing. Allele origin: germline.
Comment: This sequence change replaces alanine, which is neutral and non-polar, with threonine, which is neutral and polar, at codon 4004 of the NEB protein (p.Ala4004Thr). This variant is present in population databases (rs750705899, gnomAD 0.01%). This variant has not been reported in the literature in individuals affected with NEB-related conditions. ClinVar contains an entry for this variant (Variation ID: 969313). Algorithms developed to predict the effect of missense changes on protein structure and function are either unavailable or do not agree on the potential impact of this missense change (SIFT: "Deleterious"; PolyPhen-2: "Not Available"; Align-GVGD: "Class C0"). In summary, the available evidence is currently insufficient to determine the role of this variant in disease. Therefore, it has been classified as a Variant of Uncertain Significance.

Revvity Omics, Revvity
Classification: Uncertain significance. Last evaluated: 2020-10-07. Review status: criteria provided, single submitter. Criteria: ACMG Guidelines, 2015. Collection method: clinical testing. Allele origin: germline.

Natera, Inc.
Classification: Uncertain significance for Nemaline myopathy type 2. Last evaluated: 2020-04-21. Review status: no assertion criteria provided. Collection method: clinical testing. Allele origin: germline. Not counted in ClinVar's aggregate classification.

NM_001164508.2(NEB):c.12010G>A (p.Ala4004Thr)

Gene: NEB (nebulin; minus strand). Cytogenetic location: 2q23.3.
Variant type: single nucleotide variant.
Coding change: c.12010G>A on transcript NM_001164508.2 (MANE Select); coding-DNA position 12010, G replaced by A.
Protein change: p.Ala4004Thr; replaces alanine 4004 with threonine.
Molecular consequence: missense variant.
Genome position (GRCh38, 1-based): chr2:151,610,524, C>T on the plus strand (G>A on the coding strand, the complement: NEB is on the minus strand). VCF-style: chr2-151610524-C-T. GRCh37 (hg19) VCF-style: chr2-152467038-C-T.
Other names: c.11281G>A (NM_004543.4); c.12010G>A, p.Ala4004Thr (NM_001164507.2, NM_001271208.2); c.11281G>A, p.Ala3761Thr (NM_004543.5); short protein forms A4004T, A3761T.
Identifiers: ClinVar variation 969313 (VCV000969313.11), dbSNP rs750705899, ClinGen allele CA1908614.